The following is an entry in ClinVar:

ClinVar aggregate classification (germline): Uncertain significance (1 of 4 stars; one submission).

Allele frequency attached by ClinVar (database versions not stated): gnomAD exomes below 0.00001.
gnomAD v4.1: 1 of 1,614,194 alleles (0.000062%); highest among the groups gnomAD compares: Non-Finnish European, 0.000085%; no homozygotes.

Submission:

Labcorp Genetics (formerly Invitae), Labcorp
Classification: Uncertain significance. Last evaluated: 2022-08-19. Review status: criteria provided, single submitter. Criteria: Invitae Variant Classification Sherloc (09022015). Collection method: clinical testing. Allele origin: germline.
Comment: This variant is not present in population databases (gnomAD no frequency). In summary, the available evidence is currently insufficient to determine the role of this variant in disease. Therefore, it has been classified as a Variant of Uncertain Significance. Algorithms developed to predict the effect of missense changes on protein structure and function (SIFT, PolyPhen-2, Align-GVGD) all suggest that this variant is likely to be tolerated. This variant has not been reported in the literature in individuals affected with LAMA1-related conditions. This sequence change replaces arginine, which is basic and polar, with serine, which is neutral and polar, at codon 2884 of the LAMA1 protein (p.Arg2884Ser).

NM_005559.4(LAMA1):c.8652G>C (p.Arg2884Ser)

Gene: LAMA1 (laminin subunit alpha 1; minus strand). Cytogenetic location: 18p11.31.
Variant type: single nucleotide variant.
Coding change: c.8652G>C on transcript NM_005559.4 (MANE Select); coding-DNA position 8652, G replaced by C.
Protein change: p.Arg2884Ser; replaces arginine 2884 with serine.
Molecular consequence: missense variant.
Genome position (GRCh38, 1-based): chr18:6,948,461, C>G on the plus strand (G>C on the coding strand, the complement: LAMA1 is on the minus strand). VCF-style: chr18-6948461-C-G. GRCh37 (hg19) VCF-style: chr18-6948460-C-G.
Other names: short protein forms R2884S.
Identifiers: ClinVar variation 2105227 (VCV002105227.4), dbSNP rs2143969677, ClinGen allele CA401835919.